The following is an entry in ClinVar:

NM_152618.3(BBS12):c.1082del (p.Gly361fs)

Gene: BBS12 (Bardet-Biedl syndrome 12; plus strand). Cytogenetic location: 4q27.
Variant type: Deletion.
Coding change: c.1082del on transcript NM_152618.3 (MANE Select); coding-DNA position 1082, one base deleted (G; older notation c.1082delG).
Protein change: p.Gly361fs; shifts the reading frame from glycine 361.
Molecular consequence: frameshift variant.
Genome position (GRCh38, 1-based): chr4:122,742,974, G deleted; the last of 3 consecutive G bases (chr4:122,742,972-122,742,974); deleting any one gives the same sequence. VCF-style (leftmost placement, unchanged base first): chr4-122742971-AG-A. GRCh37 (hg19) VCF-style: chr4-123664126-AG-A.
Other names: c.1082delG (NM_152618.3); c.1082del (NM_152618.2); c.1082del, p.Gly361fs (NM_001178007.2); short protein forms G361fs.
Identifiers: ClinVar variation 371339 (VCV000371339.20), dbSNP rs1057517193, ClinGen allele CA16040930.

ClinVar aggregate classification (germline): Pathogenic/Likely pathogenic. Review status: criteria provided, multiple submitters, no conflicts (2 of 4 stars). 7 submissions from 7 submitters: Pathogenic (2); Likely pathogenic (3). 2 of the submissions do not count toward it. Last evaluated 2025-03-06.

Conditions:
Bardet-Biedl syndrome 12 (BBS12). Identifiers: Orphanet 110, MedGen C1859570, MONDO:0014440, OMIM 615989.
BBS12-related disorder. Also called: BBS12-related condition.
Bardet-Biedl syndrome (BBS). Identifiers: Orphanet 110, MedGen C0752166, MONDO:0015229.

Submissions (7):

Natera, Inc.
Classification: Likely pathogenic for Bardet-Biedl syndrome type 12. Last evaluated: 2025-03-06. Review status: criteria provided, single submitter. Criteria: Natera Variant Classification Schema (03/2026). Collection method: clinical testing. Allele origin: germline.
Comment: The c.1082delG variant in BBS12 is a frameshift variant predicted to shift the reading frame beginning at codon 361 and leads to a stop codon 22 codons downstream. This variant is expected to result in nonsense mediated decay, truncation, or a dysfunctional protein product. This variant is rare in the general population with a frequency below the threshold expected for the associated phenotype(s). This variant has been observed in one or more individuals affected with the associated recessive disease, as either homozygous or compound heterozygous with a second variant (PMID: 24611592). Given the available evidence, this variant is classified as Likely Pathogenic.

Women's Health and Genetics/Laboratory Corporation of America, LabCorp
Classification: Pathogenic for Bardet-Biedl syndrome. Last evaluated: 2024-09-10. Review status: criteria provided, single submitter. Criteria: LabCorp Variant Classification Summary - May 2015. Collection method: clinical testing. Allele origin: germline.
Comment: Variant summary: BBS12 c.1082delG (p.Gly361ValfsX22) results in a premature termination codon, predicted to cause a truncation of the encoded protein or absence of the protein due to nonsense mediated decay, which are commonly known mechanisms for disease. Downstream variants have been reported as pathogenic by our lab. The variant allele was found at a frequency of 4e-06 in 251364 control chromosomes. c.1082delG has been reported in the literature in individuals affected with Bardet-Biedl Syndrome (example: Alvarez-Satta_2014). To our knowledge, no experimental evidence demonstrating an impact on protein function has been reported. ClinVar contains an entry for this variant (Variation ID: 371339). Based on the evidence outlined above, the variant was classified as pathogenic.

Labcorp Genetics (formerly Invitae), Labcorp
Classification: Pathogenic for Bardet-Biedl syndrome. Last evaluated: 2024-07-14. Review status: criteria provided, single submitter. Criteria: Invitae Variant Classification Sherloc (09022015). Collection method: clinical testing. Allele origin: germline.
Comment: This sequence change creates a premature translational stop signal (p.Gly361Valfs*22) in the BBS12 gene. While this is not anticipated to result in nonsense mediated decay, it is expected to disrupt the last 350 amino acid(s) of the BBS12 protein. This variant is present in population databases (no rsID available, gnomAD 0.003%). This premature translational stop signal has been observed in individual(s) with Bardet-Biedl syndrome (PMID: 24611592). ClinVar contains an entry for this variant (Variation ID: 371339). This variant disrupts a region of the BBS12 protein in which other variant(s) (p.Arg675*) have been determined to be pathogenic (PMID: 20827784, 21642631). This suggests that this is a clinically significant region of the protein, and that variants that disrupt it are likely to be disease-causing. For these reasons, this variant has been classified as Pathogenic.

Fulgent Genetics
Classification: Likely pathogenic for Bardet-Biedl syndrome 12. Last evaluated: 2024-03-08. Review status: criteria provided, single submitter. Criteria: ACMG Guidelines, 2015. Collection method: clinical testing. Allele origin: germline.

Blueprint Genetics
Classification: Likely pathogenic for BBS12-related disorders. Last evaluated: 2021-11-30. Review status: criteria provided, single submitter. Criteria: ACMG Guidelines, 2015. Collection method: clinical testing. Allele origin: germline. Affected: yes. Observed: 3 variant alleles.

PreventionGenetics, part of Exact Sciences
Classification: Pathogenic for BBS12-related condition. Last evaluated: 2024-05-28. Review status: no assertion criteria provided. Collection method: clinical testing. Allele origin: germline. Not counted in ClinVar's aggregate classification.
Comment: The BBS12 c.1082delG variant is predicted to result in a frameshift and premature protein termination (p.Gly361Valfs*22). This variant has been reported to be causative for Bardet-Biedl syndrome (Alvarez-Satta et al. 2014. PubMed ID: 24611592). This variant is reported in 0.0029% of alleles in individuals of Latino descent in gnomAD. Frameshift variants in BBS12 are expected to be pathogenic. This variant is interpreted as pathogenic.

Counsyl
Classification: Likely pathogenic for Bardet-Biedl syndrome 12. Last evaluated: 2016-09-08. Review status: no assertion criteria provided. Collection method: clinical testing. Allele origin: unknown. Not counted in ClinVar's aggregate classification.

Literature cited by the submitters: PubMed 24611592 (cited by 4 submitters); PubMed 20827784 (cited by Labcorp Genetics (formerly Invitae), Labcorp); PubMed 21642631 (cited by Labcorp Genetics (formerly Invitae), Labcorp).